The following is an entry in ClinVar:

ClinVar aggregate classification (germline): Likely benign. Review status: criteria provided, multiple submitters, no conflicts (2 of 4 stars). 3 submissions from 3 submitters: Likely benign (3). Last evaluated 2025-03-01.

Allele frequency attached by ClinVar (database versions not stated): gnomAD 0.00022 and 0.00019; TOPMed 0.00023; ESP Exome Variant Server 0.00046; gnomAD exomes 0.00015 and 0.00016; ExAC 0.00016.
gnomAD v4.1: 251 of 1,614,036 alleles (0.016%); highest among the groups gnomAD compares: African/African-American, 0.045%; 1 homozygote.

Submissions (3):

CeGaT Center for Human Genetics Tuebingen
Classification: Likely benign. Last evaluated: 2025-03-01. Review status: criteria provided, single submitter. Criteria: CeGaT Center For Human Genetics Tuebingen Variant Classification Criteria Version 2. Collection method: clinical testing. Allele origin: germline. Affected: yes. Observed: 3 variant alleles.
Comment: ANK3: BP4, BP7

Labcorp Genetics (formerly Invitae), Labcorp
Classification: Likely benign. Last evaluated: 2024-02-24. Review status: criteria provided, single submitter. Criteria: Invitae Variant Classification Sherloc (09022015). Collection method: clinical testing. Allele origin: germline.

Genetic Services Laboratory, University of Chicago
Classification: Likely benign. Last evaluated: 2015-11-05. Review status: criteria provided, single submitter. Criteria: ACMG Guidelines, 2015. Collection method: clinical testing. Allele origin: germline. Affected: no.

NM_020987.5(ANK3):c.2001C>T (p.Ser667=)

Gene: ANK3 (ankyrin 3; minus strand). Cytogenetic location: 10q21.2.
Variant type: single nucleotide variant.
Coding change: c.2001C>T on transcript NM_020987.5 (MANE Select); coding-DNA position 2001, C replaced by T.
Protein change: p.Ser667=; no amino-acid change (serine 667 retained).
Molecular consequence: synonymous variant.
Genome position (GRCh38, 1-based): chr10:60,186,799, G>A on the plus strand (C>T on the coding strand, the complement: ANK3 is on the minus strand). VCF-style: chr10-60186799-G-A. GRCh37 (hg19) VCF-style: chr10-61946557-G-A.
Other names: c.1983C>T, p.Ser661= (NM_001204403.2); c.1950C>T, p.Ser650= (NM_001204404.2); c.2001C>T, p.Ser667= (NM_001320874.2).
Identifiers: ClinVar variation 434176 (VCV000434176.38), dbSNP rs146438080, ClinGen allele CA5512971.